The following is an entry in ClinVar:

ClinVar aggregate classification (germline): Uncertain significance (1 of 4 stars; one submission).

Conditions:
Dystonia 12 (DYT12). Also called: DYT-ATP1A3; Rapid-Onset Dystonia-Parkinsonism (RDP). Identifiers: Orphanet 71517, MedGen C1868681, MONDO:0007496, OMIM 128235.

Submission:

Labcorp Genetics (formerly Invitae), Labcorp
Classification: Uncertain significance for Dystonia 12. Last evaluated: 2025-04-20. Review status: criteria provided, single submitter. Criteria: Invitae Variant Classification Sherloc (09022015). Collection method: clinical testing. Allele origin: germline.
Comment: This sequence change replaces valine, which is neutral and non-polar, with glutamic acid, which is acidic and polar, at codon 709 of the ATP1A3 protein (p.Val709Glu). This variant is not present in population databases (gnomAD no frequency). This variant has not been reported in the literature in individuals affected with ATP1A3-related conditions. Invitae Evidence Modeling of protein sequence and biophysical properties (such as structural, functional, and spatial information, amino acid conservation, physicochemical variation, residue mobility, and thermodynamic stability) indicates that this missense variant is expected to disrupt ATP1A3 protein function with a positive predictive value of 95%. In summary, the available evidence is currently insufficient to determine the role of this variant in disease. Therefore, it has been classified as a Variant of Uncertain Significance.

NM_152296.5(ATP1A3):c.2126T>A (p.Val709Glu)

Gene: ATP1A3 (ATPase Na+/K+ transporting subunit alpha 3; minus strand). Cytogenetic location: 19q13.2.
Variant type: single nucleotide variant.
Coding change: c.2126T>A on transcript NM_152296.5 (MANE Select); coding-DNA position 2126, T replaced by A.
Protein change: p.Val709Glu; replaces valine 709 with glutamic acid.
Molecular consequence: missense variant.
Genome position (GRCh38, 1-based): chr19:41,975,766, A>T on the plus strand (T>A on the coding strand, the complement: ATP1A3 is on the minus strand). VCF-style: chr19-41975766-A-T. GRCh37 (hg19) VCF-style: chr19-42479918-A-T.
Other names: c.2159T>A, p.Val720Glu (NM_001256213.2); c.2165T>A, p.Val722Glu (NM_001256214.2); short protein forms V709E, V720E, V722E.
Identifiers: ClinVar variation 4802150 (VCV004802150.1).
Genomic context (GRCh38, chr19:41,975,766, plus strand): 5'-GAGCCAGCGATGCCCATGGCCACCCCAATGTCGGCCTTCTTCAGAGCGGGGGAGTCGTTC[A>T]CACCATCCCCGGTCACAGCCACAATTGCACCCTGGAGGGAGAGAGGGTAAGGATGACACC-3'
Protein context (NP_689509.1, residues 699-719): GAIVAVTGDG[Val709Glu]NDSPALKKAD